The following is an entry in ClinVar:

ClinVar aggregate classification (germline): Uncertain significance. Review status: criteria provided, multiple submitters, no conflicts (2 of 4 stars). 2 submissions from 2 submitters: Uncertain significance (2). Last evaluated 2025-04-09.

Conditions:
Inborn genetic diseases. Identifiers: MedGen C0950123, MeSH D030342.
Congenital myasthenic syndrome 8. Also called: MYASTHENIC SYNDROME, CONGENITAL, DUE TO AGRIN DEFICIENCY; Myasthenic syndrome, congenital, 8, with pre- and postsynaptic defects. Identifiers: Orphanet 590, MedGen C3808739, MONDO:0014052, OMIM 615120.

Allele frequency attached by ClinVar (database versions not stated): TOPMed 0.00002; gnomAD 0.00004 and 0.00003; gnomAD exomes 0.00001; ExAC below 0.00001.
gnomAD v4.1: 16 of 1,601,028 alleles (0.001%); highest among the groups gnomAD compares: African/African-American, 0.0094%; no homozygotes.

Submissions (2):

Ambry Genetics
Classification: Uncertain significance for Inborn genetic diseases. Last evaluated: 2025-04-09. Review status: criteria provided, single submitter. Criteria: Ambry Variant Classification Scheme 2023. Collection method: clinical testing. Allele origin: germline.

Labcorp Genetics (formerly Invitae), Labcorp
Classification: Uncertain significance for Congenital myasthenic syndrome 8. Last evaluated: 2024-10-16. Review status: criteria provided, single submitter. Criteria: Invitae Variant Classification Sherloc (09022015). Collection method: clinical testing. Allele origin: germline.
Comment: This sequence change replaces arginine, which is basic and polar, with glutamine, which is neutral and polar, at codon 1954 of the AGRN protein (p.Arg1954Gln). The frequency data for this variant in the population databases is considered unreliable, as metrics indicate poor data quality at this position in the gnomAD database. This variant has not been reported in the literature in individuals affected with AGRN-related conditions. ClinVar contains an entry for this variant (Variation ID: 666027). An algorithm developed to predict the effect of missense changes on protein structure and function (PolyPhen-2) suggests that this variant is likely to be disruptive. In summary, the available evidence is currently insufficient to determine the role of this variant in disease. Therefore, it has been classified as a Variant of Uncertain Significance.

NM_198576.4(AGRN):c.5861G>A (p.Arg1954Gln)

Gene: AGRN (agrin; plus strand). Cytogenetic location: 1p36.33.
Variant type: single nucleotide variant.
Coding change: c.5861G>A on transcript NM_198576.4 (MANE Select); coding-DNA position 5861, G replaced by A.
Protein change: p.Arg1954Gln; replaces arginine 1954 with glutamine.
Molecular consequence: missense variant.
Genome position (GRCh38, 1-based): chr1:1,053,962, G>A. VCF-style: chr1-1053962-G-A. GRCh37 (hg19) VCF-style: chr1-989342-G-A.
Other names: c.5930G>A, p.Arg1977Gln (NM_001305275.2); c.5558G>A, p.Arg1853Gln (NM_001364727.2); short protein forms R1853Q, R1954Q, R1977Q.
Identifiers: ClinVar variation 666027 (VCV000666027.9), dbSNP rs775547243, ClinGen allele CA510248.